The following is an entry in ClinVar:

ClinVar aggregate classification (germline): Uncertain significance (1 of 4 stars; one submission).

Conditions:
Pancytopenia. Identifiers: MedGen C0030312, MONDO:0001529, HP:0001876.
Bone marrow hypocellularity. Identifiers: MedGen C1855710, HP:0005528.

Allele frequency attached by ClinVar (database versions not stated): gnomAD exomes below 0.00001; TOPMed below 0.00001.
gnomAD v4.1: 1 of 1,520,684 alleles (0.000066%); highest among the groups gnomAD compares: South Asian, 0.0013%; no homozygotes.

Submission:

Bone Marrow Failure laboratory, Queen Mary University London
Classification: Uncertain significance for Pancytopenia; Bone marrow hypocellularity. Last evaluated: 2021-05-11. Review status: criteria provided, single submitter. Criteria: ACMG Guidelines, 2015. Collection method: research. Allele origin: germline. Affected: yes.
Comment: His youngers sister, who is also homozygous for this variant, was found to have a hypocellular bone marrow and a raised HbF. The following ACMG/AMP criteria were used: PM2, PP3 and PP1.

Literature cited by the submitters: PubMed 29987015.

NM_020207.7(ERCC6L2):c.1973G>A (p.Ser658Asn)

Gene: ERCC6L2 (ERCC excision repair 6 like 2; plus strand). Cytogenetic location: 9q22.32.
Variant type: single nucleotide variant.
Coding change: c.1973G>A on transcript NM_020207.7 (MANE Select); coding-DNA position 1973, G replaced by A.
Protein change: p.Ser658Asn; replaces serine 658 with asparagine.
Molecular consequence: missense variant. On other transcripts: non-coding transcript variant (1).
Genome position (GRCh38, 1-based): chr9:95,966,587, G>A. VCF-style: chr9-95966587-G-A. GRCh37 (hg19) VCF-style: chr9-98728869-G-A.
Other names: c.1973G>A, p.Ser658Asn (NM_001010895.4, NM_001375291.1, NM_001375292.1 and 2 more transcripts); short protein forms S658N.
Identifiers: ClinVar variation 1174155 (VCV001174155.2), dbSNP rs1453856448, ClinGen allele CA374121764.